The following is an entry in ClinVar:

NM_001041.4(SI):c.749G>A (p.Arg250His)

Gene: SI (sucrase-isomaltase; minus strand). Cytogenetic location: 3q26.1.
Variant type: single nucleotide variant.
Coding change: c.749G>A on transcript NM_001041.4 (MANE Select); coding-DNA position 749, G replaced by A.
Protein change: p.Arg250His; replaces arginine 250 with histidine.
Molecular consequence: missense variant.
Genome position (GRCh38, 1-based): chr3:165,065,319, C>T on the plus strand (G>A on the coding strand, the complement: SI is on the minus strand). VCF-style: chr3-165065319-C-T. GRCh37 (hg19) VCF-style: chr3-164783107-C-T.
Other names: short protein forms R250H.
Identifiers: ClinVar variation 903242 (VCV000903242.7), dbSNP rs530009542, ClinGen allele CA2691338.

ClinVar aggregate classification (germline): Uncertain significance. Review status: criteria provided, multiple submitters, no conflicts (2 of 4 stars). 3 submissions from 3 submitters: Uncertain significance (3). Last evaluated 2024-03-19.

Conditions:
Sucrase-isomaltase deficiency (CSID). Also called: Deficiency of isomaltase; Congenital sucrose isomaltose malabsorption; Sucrose isomaltose enzyme deficiency; SI DEFICIENCY. Identifiers: Orphanet 35122, MedGen C1283620, MONDO:0009114, OMIM 222900.

Allele frequency attached by ClinVar (database versions not stated): gnomAD exomes 0.00005 and 0.00009; ExAC 0.00009; gnomAD 0.00009 and 0.00012; TOPMed 0.00010; 1000 Genomes Project 0.00040; 1000 Genomes Project 30x 0.00047.
gnomAD v4.1: 86 of 1,607,562 alleles (0.0053%); highest among the groups gnomAD compares: South Asian, 0.024%; no homozygotes.

Submissions (3):

Fulgent Genetics
Classification: Uncertain significance for Sucrase-isomaltase deficiency. Last evaluated: 2024-03-19. Review status: criteria provided, single submitter. Criteria: ACMG Guidelines, 2015. Collection method: clinical testing. Allele origin: germline.

Labcorp Genetics (formerly Invitae), Labcorp
Classification: Uncertain significance. Last evaluated: 2022-07-25. Review status: criteria provided, single submitter. Criteria: Invitae Variant Classification Sherloc (09022015). Collection method: clinical testing. Allele origin: germline.
Comment: This sequence change replaces arginine, which is basic and polar, with histidine, which is basic and polar, at codon 250 of the SI protein (p.Arg250His). This variant is present in population databases (rs530009542, gnomAD 0.03%). This variant has not been reported in the literature in individuals affected with SI-related conditions. ClinVar contains an entry for this variant (Variation ID: 903242). Advanced modeling of protein sequence and biophysical properties (such as structural, functional, and spatial information, amino acid conservation, physicochemical variation, residue mobility, and thermodynamic stability) performed at Invitae indicates that this missense variant is expected to disrupt SI protein function. In summary, the available evidence is currently insufficient to determine the role of this variant in disease. Therefore, it has been classified as a Variant of Uncertain Significance.

Illumina Laboratory Services, Illumina
Classification: Uncertain significance for Sucrase-isomaltase deficiency. Last evaluated: 2017-04-27. Review status: criteria provided, single submitter. Criteria: ICSL Variant Classification Criteria 13 December 2019. Collection method: clinical testing. Allele origin: germline.